The following is an entry in ClinVar:

ClinVar aggregate classification (germline): Likely benign. Review status: criteria provided, single submitter (1 of 4 stars). 2 submissions from 2 submitters: Likely benign (1). 1 of the submissions does not count toward it. Last evaluated 2024-06-01.

Conditions:
PAK1-related disorder. Also called: PAK1-related condition.

Allele frequency attached by ClinVar (database versions not stated): gnomAD exomes 0.00001; TOPMed 0.00004; gnomAD 0.00006.
gnomAD v4.1: 16 of 1,613,262 alleles (0.00099%); highest among the groups gnomAD compares: African/African-American, 0.017%; no homozygotes.

Submissions (2):

CeGaT Center for Human Genetics Tuebingen
Classification: Likely benign. Last evaluated: 2024-06-01. Review status: criteria provided, single submitter. Criteria: CeGaT Center For Human Genetics Tuebingen Variant Classification Criteria Version 2. Collection method: clinical testing. Allele origin: germline. Affected: yes. Observed: 2 variant alleles.
Comment: PAK1: BP4, BP7

PreventionGenetics, part of Exact Sciences
Classification: Likely benign for PAK1-related condition. Last evaluated: 2020-01-14. Review status: no assertion criteria provided. Collection method: clinical testing. Allele origin: germline. Not counted in ClinVar's aggregate classification.
Comment: This variant is classified as likely benign based on ACMG/AMP sequence variant interpretation guidelines (Richards et al. 2015 PMID: 25741868, with internal and published modifications).

NM_002576.5(PAK1):c.708C>T (p.Thr236=)

Gene: PAK1 (p21 (RAC1) activated kinase 1; minus strand). Cytogenetic location: 11q13.5.
Variant type: single nucleotide variant.
Coding change: c.708C>T on transcript NM_002576.5 (MANE Select); coding-DNA position 708, C replaced by T.
Protein change: p.Thr236=; no amino-acid change (threonine 236 retained).
Molecular consequence: synonymous variant. On other transcripts: non-coding transcript variant (2), intron variant (1).
Genome position (GRCh38, 1-based): chr11:77,355,732, G>A on the plus strand (C>T on the coding strand, the complement: PAK1 is on the minus strand). VCF-style: chr11-77355732-G-A. GRCh37 (hg19) VCF-style: chr11-77066777-G-A.
Other names: c.708C>T, p.Thr236= (NM_001128620.2, NM_001376268.1, NM_001376269.1 and 25 more transcripts); c.729C>T, p.Thr243= (NM_001376272.1); c.459C>T, p.Thr153= (NM_001376301.1); c.414C>T, p.Thr138= (NM_001376302.1, NM_001376304.1, NM_001376305.1); c.597+3166C>T (NM_001376303.1); c.708C>T (NM_001128620.1).
Identifiers: ClinVar variation 2642186 (VCV002642186.25), dbSNP rs1285749665, ClinGen allele CA476028555.